The following is an entry in ClinVar:

NM_001303256.3(MORC2):c.1304A>T (p.Glu435Val)

Gene: MORC2 (MORC family CW-type zinc finger 2; minus strand). Cytogenetic location: 22q12.2.
Variant type: single nucleotide variant.
Coding change: c.1304A>T on transcript NM_001303256.3 (MANE Select); coding-DNA position 1304, A replaced by T.
Protein change: p.Glu435Val; replaces glutamic acid 435 with valine.
Molecular consequence: missense variant.
Genome position (GRCh38, 1-based): chr22:30,937,880, T>A on the plus strand (A>T on the coding strand, the complement: MORC2 is on the minus strand). VCF-style: chr22-30937880-T-A. GRCh37 (hg19) VCF-style: chr22-31333867-T-A.
Other names: c.1304A>T (NM_001303256.2); c.1304A>T, p.Glu435Val (NM_001303257.2); c.1118A>T, p.Glu373Val (NM_014941.3); short protein forms E373V, E435V.
Identifiers: ClinVar variation 2979404 (VCV002979404.4), dbSNP rs2040679510, ClinGen allele CA411238789.

ClinVar aggregate classification (germline): Uncertain significance. Review status: criteria provided, multiple submitters, no conflicts (2 of 4 stars). 2 submissions from 2 submitters: Uncertain significance (2). Last evaluated 2024-04-03.

Conditions:
Charcot-Marie-Tooth disease axonal type 2Z. Also called: CHARCOT-MARIE-TOOTH DISEASE, AXONAL, AUTOSOMAL DOMINANT, TYPE 2Z; CHARCOT-MARIE-TOOTH NEUROPATHY, TYPE 2Z. Identifiers: Orphanet 466768, MedGen C5569025, MONDO:0014736, OMIM 616688.

Allele frequency attached by ClinVar (database versions not stated): TOPMed below 0.00001.
gnomAD v4.1: 4 of 1,614,130 alleles (0.00025%); highest among the groups gnomAD compares: Non-Finnish European, 0.00034%; no homozygotes.

Submissions (2):

GeneDx
Classification: Uncertain significance. Last evaluated: 2024-04-03. Review status: criteria provided, single submitter. Criteria: GeneDx Variant Classification Process June 2021. Collection method: clinical testing. Allele origin: germline. Affected: yes.
Comment: Not observed at significant frequency in large population cohorts (gnomAD); In silico analysis supports that this missense variant has a deleterious effect on protein structure/function; Has not been previously published as pathogenic or benign to our knowledge

Labcorp Genetics (formerly Invitae), Labcorp
Classification: Uncertain significance for Charcot-Marie-Tooth disease axonal type 2Z. Last evaluated: 2022-12-28. Review status: criteria provided, single submitter. Criteria: Invitae Variant Classification Sherloc (09022015). Collection method: clinical testing. Allele origin: germline.
Comment: In summary, the available evidence is currently insufficient to determine the role of this variant in disease. Therefore, it has been classified as a Variant of Uncertain Significance. Advanced modeling of protein sequence and biophysical properties (such as structural, functional, and spatial information, amino acid conservation, physicochemical variation, residue mobility, and thermodynamic stability) performed at Invitae indicates that this missense variant is expected to disrupt MORC2 protein function. This variant has not been reported in the literature in individuals affected with MORC2-related conditions. This variant is not present in population databases (gnomAD no frequency). This sequence change replaces glutamic acid, which is acidic and polar, with valine, which is neutral and non-polar, at codon 435 of the MORC2 protein (p.Glu435Val).